The following is an entry in ClinVar:

ClinVar aggregate classification (germline): Uncertain significance (1 of 4 stars; one submission).

Conditions:
Familial cold autoinflammatory syndrome 2 (FCAS2). Identifiers: Orphanet 247868, MedGen C2673198, MONDO:0012724, OMIM 611762.

Allele frequency attached by ClinVar (database versions not stated): TOPMed below 0.00001; gnomAD 0.00001.

Submission:

Labcorp Genetics (formerly Invitae), Labcorp
Classification: Uncertain significance for Familial cold autoinflammatory syndrome 2. Last evaluated: 2021-07-21. Review status: criteria provided, single submitter. Criteria: Invitae Variant Classification Sherloc (09022015). Collection method: clinical testing. Allele origin: germline.
Comment: In summary, the available evidence is currently insufficient to determine the role of this variant in disease. Therefore, it has been classified as a Variant of Uncertain Significance. This sequence change creates a premature translational stop signal (p.Glu395*) in the NLRP12 gene. It is expected to result in an absent or disrupted protein product. However, the current clinical and genetic evidence is not sufficient to establish whether loss-of-function variants in NLRP12 cause disease. This variant is not present in population databases (ExAC no frequency). This variant has not been reported in the literature in individuals affected with NLRP12-related conditions.

NM_144687.4(NLRP12):c.1183G>T (p.Glu395Ter)

Gene: NLRP12 (NLR family pyrin domain containing 12; minus strand). Cytogenetic location: 19q13.42.
Variant type: single nucleotide variant.
Coding change: c.1183G>T on transcript NM_144687.4 (MANE Select); coding-DNA position 1183, G replaced by T.
Protein change: p.Glu395Ter; replaces glutamic acid 395 with a stop codon.
Molecular consequence: nonsense.
Genome position (GRCh38, 1-based): chr19:53,810,476, C>A on the plus strand (G>T on the coding strand, the complement: NLRP12 is on the minus strand). VCF-style: chr19-53810476-C-A. GRCh37 (hg19) VCF-style: chr19-54313730-C-A.
Other names: c.1183G>T, p.Glu395Ter (NM_001277126.2, NM_001277129.1); short protein forms E395*.
Identifiers: ClinVar variation 1462356 (VCV001462356.6), dbSNP rs202133847, ClinGen allele CA407414056.